The following is an entry in ClinVar:

NM_032776.3(JMJD1C):c.2971C>T (p.His991Tyr)

Gene: JMJD1C (jumonji domain containing 1C; minus strand). Cytogenetic location: 10q21.3.
Variant type: single nucleotide variant.
Coding change: c.2971C>T on transcript NM_032776.3 (MANE Select); coding-DNA position 2971, C replaced by T.
Protein change: p.His991Tyr; replaces histidine 991 with tyrosine.
Molecular consequence: missense variant. On other transcripts: non-coding transcript variant (1).
Genome position (GRCh38, 1-based): chr10:63,208,698, G>A on the plus strand (C>T on the coding strand, the complement: JMJD1C is on the minus strand). VCF-style: chr10-63208698-G-A. GRCh37 (hg19) VCF-style: chr10-64968458-G-A.
Other names: c.2425C>T, p.His809Tyr (NM_001282948.2, NM_001318154.2); c.2107C>T, p.His703Tyr (NM_001318153.2); c.2857C>T, p.His953Tyr (NM_001322252.2); c.2314C>T, p.His772Tyr (NM_001322254.2, NM_001322258.2); short protein forms H703Y, H772Y, H809Y, H953Y, H991Y.
Identifiers: ClinVar variation 1056251 (VCV001056251.7), dbSNP rs750652301, ClinGen allele CA5518510.

ClinVar aggregate classification (germline): Uncertain significance (1 of 4 stars; one submission).

Conditions:
Early Myoclonic Encephalopathy. Identifiers: MedGen C0270855.

Allele frequency attached by ClinVar (database versions not stated): ExAC 0.00001; TOPMed 0.00002; gnomAD 0.00005 and 0.00004; gnomAD exomes below 0.00001.
gnomAD v4.1: 12 of 1,613,922 alleles (0.00074%); highest among the groups gnomAD compares: African/African-American, 0.011%; 1 homozygote.

Submission:

Labcorp Genetics (formerly Invitae), Labcorp
Classification: Uncertain significance for Early Myoclonic Encephalopathy. Last evaluated: 2021-10-21. Review status: criteria provided, single submitter. Criteria: Invitae Variant Classification Sherloc (09022015). Collection method: clinical testing. Allele origin: germline.
Comment: In summary, the available evidence is currently insufficient to determine the role of this variant in disease. Therefore, it has been classified as a Variant of Uncertain Significance. Algorithms developed to predict the effect of missense changes on protein structure and function (SIFT, PolyPhen-2, Align-GVGD) all suggest that this variant is likely to be tolerated. This variant has not been reported in the literature in individuals affected with JMJD1C-related conditions. This variant is present in population databases (rs750652301, ExAC 0.01%). This sequence change replaces histidine with tyrosine at codon 991 of the JMJD1C protein (p.His991Tyr). The histidine residue is moderately conserved and there is a moderate physicochemical difference between histidine and tyrosine.